The following is an entry in ClinVar:

NM_000051.4(ATM):c.8373del (p.Arg2790_Tyr2791insTer)

Genes: ATM (ATM serine/threonine kinase; plus strand), C11orf65 (chromosome 11 open reading frame 65; minus strand). Cytogenetic location: 11q22.3.
Variant type: Deletion.
Coding change: c.8373del on transcript NM_000051.4 (MANE Select); coding-DNA position 8373, one base deleted (C; older notation c.8373delC).
Protein change: p.Arg2790_Tyr2791insTer.
Molecular consequence: nonsense. On other transcripts: intron variant (2), frameshift variant (1).
Genome position (GRCh38, 1-based): chr11:108,343,326, C deleted. VCF-style (leftmost placement, unchanged base first): chr11-108343325-AC-A. GRCh37 (hg19) VCF-style: chr11-108214052-AC-A.
Other names: c.8373del, p.Arg2790_Tyr2791insTer (NM_001351834.2); c.641-34255del (NM_001330368.2); c.695-8034del (NM_001351110.2); c.8373delC, p.Tyr2791Terfs (NM_000051.3).
Identifiers: ClinVar variation 1442455 (VCV001442455.7), dbSNP rs2136949935, ClinGen allele CA2573146743.

ClinVar aggregate classification (germline): Pathogenic/Likely pathogenic. Review status: criteria provided, multiple submitters, no conflicts (2 of 4 stars). 2 submissions from 2 submitters: Pathogenic (1); Likely pathogenic (1). Last evaluated 2025-01-31.

Conditions:
Ataxia-telangiectasia syndrome (AT). Also called: Ataxia-telangiectasia; LOUIS-BAR SYNDROME; Ataxia-telangiectasia, complementation group D; AT, COMPLEMENTATION GROUP C; ATAXIA-TELANGIECTASIA, COMPLEMENTATION GROUP A; ATAXIA-TELANGIECTASIA, FRESNO VARIANT. Identifiers: Orphanet 100, MedGen C0004135, MONDO:0008840, OMIM 208900.

Submissions (2):

Natera, Inc.
Classification: Likely pathogenic for Ataxia-telangiectasia. Last evaluated: 2025-01-31. Review status: criteria provided, single submitter. Criteria: Natera Variant Classification Schema (03/2026). Collection method: clinical testing. Allele origin: germline.
Comment: The c.8373del variant in ATM is a frameshift variant predicted to shift the reading frame and introduce a stop codon. This variant is expected to result in nonsense mediated decay, truncation, or a dysfunctional protein product. This variant is rare in the general population with a frequency below the threshold expected for the associated phenotype(s). Given the available evidence, this variant is classified as Likely Pathogenic.

Labcorp Genetics (formerly Invitae), Labcorp
Classification: Pathogenic for Ataxia-telangiectasia syndrome. Last evaluated: 2023-04-24. Review status: criteria provided, single submitter. Criteria: Invitae Variant Classification Sherloc (09022015). Collection method: clinical testing. Allele origin: germline.
Comment: For these reasons, this variant has been classified as Pathogenic. ClinVar contains an entry for this variant (Variation ID: 1442455). This premature translational stop signal has been observed in individual(s) with ataxia telangiectasia (PMID: 9792409). This variant is not present in population databases (gnomAD no frequency). This sequence change creates a premature translational stop signal (p.Tyr2791*) in the ATM gene. It is expected to result in an absent or disrupted protein product. Loss-of-function variants in ATM are known to be pathogenic (PMID: 23807571, 25614872).

Literature cited by the submitters: PubMed 9792409 (cited by Labcorp Genetics (formerly Invitae), Labcorp); PubMed 23807571 (cited by Labcorp Genetics (formerly Invitae), Labcorp); PubMed 25614872 (cited by Labcorp Genetics (formerly Invitae), Labcorp).